The following is an entry in ClinVar:

ClinVar aggregate classification (germline): Likely benign. Review status: criteria provided, multiple submitters, no conflicts (2 of 4 stars). 4 submissions from 4 submitters: Likely benign (4). Last evaluated 2025-08-06.

Conditions:
Cardiomyopathy (CMYO). Also called: Cardiomyopathies. Identifiers: Orphanet 167848, MedGen C0878544, MONDO:0004994, HP:0001638. Inheritance: Various modes of inheritance.
Arrhythmogenic cardiomyopathy with wooly hair and keratoderma. Also called: PALMOPLANTAR KERATODERMA WITH LEFT VENTRICULAR CARDIOMYOPATHY AND WOOLLY HAIR; Carvajal syndrome; Dilated cardiomyopathy with woolly hair and keratoderma; Arrhythmogenic cardiomyopathy with woolly hair and keratoderma. Identifiers: Orphanet 65282, MedGen C1854063, MONDO:0011581, OMIM 605676.
Arrhythmogenic right ventricular dysplasia 8 (ARVD8). Also called: Arrhythmogenic Right Ventricular Dysplasia/Cardiomyopathy 8; ARRHYTHMOGENIC RIGHT VENTRICULAR DYSPLASIA, FAMILIAL, 8; ARRHYTHMOGENIC RIGHT VENTRICULAR CARDIOMYOPATHY 8. Identifiers: MedGen C1843896, MONDO:0011831, OMIM 607450.
Cardiovascular phenotype. Identifiers: MedGen CN230736.

Allele frequency attached by ClinVar (database versions not stated): TOPMed below 0.00001; gnomAD 0.00001; gnomAD exomes 0.00001.
gnomAD v4.1: 4 of 1,613,918 alleles (0.00025%); highest among the groups gnomAD compares: Non-Finnish European, 0.00034%; no homozygotes.

Submissions (4):

Ambry Genetics
Classification: Likely benign for Cardiovascular phenotype. Last evaluated: 2025-08-06. Review status: criteria provided, single submitter. Criteria: Ambry Variant Classification Scheme 2023. Collection method: clinical testing. Allele origin: germline.

Labcorp Genetics (formerly Invitae), Labcorp
Classification: Likely benign for Arrhythmogenic cardiomyopathy with wooly hair and keratoderma; Arrhythmogenic right ventricular dysplasia 8. Last evaluated: 2024-05-04. Review status: criteria provided, single submitter. Criteria: Invitae Variant Classification Sherloc (09022015). Collection method: clinical testing. Allele origin: germline.

All of Us Research Program, National Institutes of Health
Classification: Likely benign for Arrhythmogenic cardiomyopathy with wooly hair and keratoderma. Last evaluated: 2023-11-30. Review status: criteria provided, single submitter. Criteria: ACMG Guidelines, 2015. Collection method: clinical testing. Allele origin: germline. Inheritance: Autosomal dominant inheritance. Observed: 2 variant alleles, 2 heterozygotes.
Comment: This study involves interpretation of variants in research participants for the purpose of population health screening. Participant phenotype was not available at the time of variant classification. Additional details can be found in publication PMID: 35346344, PMCID: PMC8962531

Color Diagnostics, LLC DBA Color Health
Classification: Likely benign for Cardiomyopathy. Last evaluated: 2018-11-25. Review status: criteria provided, single submitter. Criteria: ACMG Guidelines, 2015. Collection method: clinical testing. Allele origin: germline.

NM_004415.4(DSP):c.3453G>A (p.Glu1151=)

Gene: DSP (desmoplakin; plus strand). Cytogenetic location: 6p24.3.
Variant type: single nucleotide variant.
Coding change: c.3453G>A on transcript NM_004415.4 (MANE Select); coding-DNA position 3453, G replaced by A.
Protein change: p.Glu1151=; no amino-acid change (glutamic acid 1151 retained).
Molecular consequence: synonymous variant.
Genome position (GRCh38, 1-based): chr6:7,579,643, G>A. VCF-style: chr6-7579643-G-A. GRCh37 (hg19) VCF-style: chr6-7579876-G-A.
Other names: c.3453G>A (LRG_423t1); c.3453G>A, p.Glu1151= (NM_001008844.3, NM_001319034.2).
Identifiers: ClinVar variation 534337 (VCV000534337.16), dbSNP rs1554108084, ClinGen allele CA448714151.
Genomic context (GRCh38, chr6:7,579,643, plus strand): 5'-ATTTGACCAACAGAAGAATGACTATGACCAACTGCAGAAAGCAAGGCAATGTGAAAAGGA[G>A]AACCTTGGTTGGCAGAAATTAGAGTCTGAGAAAGCCATCAAGGAGAAGGAGTACGAGATT-3'
Protein context (NP_004406.2, residues 1141-1161): QLQKARQCEK[Glu1151=]NLGWQKLESE